The following is an entry in ClinVar:

ClinVar aggregate classification (germline): Uncertain significance (1 of 4 stars; one submission).

Conditions:
EPILEPSY, CHILDHOOD ABSENCE, SUSCEPTIBILITY TO, 2 (ECA2). Identifiers: Orphanet 64280, MedGen C1843244, OMIM 607681.
Febrile seizures, familial, 8 (FEB8). Also called: CONVULSIONS, FAMILIAL FEBRILE, 8. Identifiers: Orphanet 36387, MedGen C1969810, MONDO:0011891, OMIM 607681.

Submission:

Labcorp Genetics (formerly Invitae), Labcorp
Classification: Uncertain significance for Febrile seizures, familial, 8; EPILEPSY, CHILDHOOD ABSENCE, SUSCEPTIBILITY TO, 2. Last evaluated: 2023-03-18. Review status: criteria provided, single submitter. Criteria: Invitae Variant Classification Sherloc (09022015). Collection method: clinical testing. Allele origin: germline.
Comment: In summary, the available evidence is currently insufficient to determine the role of this variant in disease. Therefore, it has been classified as a Variant of Uncertain Significance. Variants that disrupt the consensus splice site are a relatively common cause of aberrant splicing (PMID: 17576681, 9536098). Algorithms developed to predict the effect of sequence changes on RNA splicing suggest that this variant may disrupt the consensus splice site. An algorithm developed to predict the effect of missense changes on protein structure and function (PolyPhen-2) suggests that this variant is likely to be disruptive. This missense change has been observed in at least one individual who was not affected with GABRG2-related conditions (Invitae). This variant is not present in population databases (gnomAD no frequency). This missense change has been observed in individual(s) with GABRG2-related conditions (Invitae). This sequence change replaces arginine, which is basic and polar, with methionine, which is neutral and non-polar, at codon 183 of the GABRG2 protein (p.Arg183Met). This variant also falls at the last nucleotide of exon 4, which is part of the consensus splice site for this exon.

Literature cited by the submitters: PubMed 17576681; PubMed 9536098.

NM_198904.4(GABRG2):c.548G>T (p.Arg183Met)

Gene: GABRG2 (gamma-aminobutyric acid type A receptor subunit gamma2; plus strand). Cytogenetic location: 5q34.
Variant type: single nucleotide variant.
Coding change: c.548G>T on transcript NM_198904.4 (MANE Select); coding-DNA position 548, G replaced by T.
Protein change: p.Arg183Met; replaces arginine 183 with methionine.
Molecular consequence: missense variant.
Genome position (GRCh38, 1-based): chr5:162,097,858, G>T. VCF-style: chr5-162097858-G-T. GRCh37 (hg19) VCF-style: chr5-161524864-G-T.
Other names: c.548G>T, p.Arg183Met (NM_000816.3, NM_001375340.1, NM_001375341.1 and 4 more transcripts); c.539G>T, p.Arg180Met (NM_001375339.1); c.482G>T, p.Arg161Met (NM_001375345.1, NM_001375346.1); c.461G>T, p.Arg154Met (NM_001375347.1); c.128G>T, p.Arg43Met (NM_001375348.1, NM_001375350.1); c.263G>T, p.Arg88Met (NM_001375349.1); short protein forms R88M, R154M, R180M, R43M, R161M, R183M.
Identifiers: ClinVar variation 2932340 (VCV002932340.3), dbSNP rs2532569581, ClinGen allele CA362184472.
Genomic context (GRCh38, chr5:162,097,858, plus strand): 5'-TCACCACCCCCAACAGGATGCTGAGAATTTGGAATGATGGTCGAGTGCTCTACACCCTAA[G>T]GTATTCTTTTGCAAAAGGAAAGGAGTAATTGTTAGGAAGAAAACAAACAAACACAAAAAT-3'
Protein context (NP_944494.1, residues 173-193): WNDGRVLYTL[Arg183Met]LTIDAECQLQ